The following is an entry in ClinVar:

NC_000008.11:g.118952044G>A

Gene: TNFRSF11B (TNF receptor superfamily member 11b; minus strand). Cytogenetic location: 8q24.12.
Variant type: single nucleotide variant.
Genome position: GRCh38 VCF-style: chr8-118952044-G-A. GRCh37 (hg19) VCF-style: chr8-119964283-G-A.
Identifiers: ClinVar variation 361702 (VCV000361702.10), dbSNP rs2073617, ClinGen allele CA10626926.

ClinVar aggregate classification (germline): Benign. Review status: criteria provided, multiple submitters, no conflicts (2 of 4 stars). 2 submissions from 2 submitters: Benign (2). Last evaluated 2018-11-12.

Allele frequency attached by ClinVar (database versions not stated): gnomAD exomes 0.54299; TOPMed 0.57346; gnomAD 0.57443 and 0.57525; 1000 Genomes Project 0.62161; 1000 Genomes Project 30x 0.62336.

Submissions (2):

GeneDx
Classification: Benign. Last evaluated: 2018-11-12. Review status: criteria provided, single submitter. Criteria: GeneDx Variant Classification Process June 2021. Collection method: clinical testing. Allele origin: germline. Affected: yes.
Comment: This variant is associated with the following publications: (PMID: 12054556, 18938269, 21994215, 22965192, 19661483, 16678184)

Breakthrough Genomics
Classification: Benign. Review status: criteria provided, single submitter. Criteria: ACMG Guidelines, 2015. Collection method: not provided. Allele origin: germline. Inheritance: Autosomal recessive inheritance. Affected: yes.